The following is an entry in ClinVar:

ClinVar aggregate classification (germline): Pathogenic/Likely pathogenic. Review status: criteria provided, multiple submitters, no conflicts (2 of 4 stars). 2 submissions from 2 submitters: Pathogenic (1); Likely pathogenic (1). Last evaluated 2025-04-03.

Conditions:
Autosomal recessive Alport syndrome (ATS2). Also called: Alport syndrome type 2; COL4A3-Related Nephropathy; COL4A4 Alport Syndrome and Thin Basement Membrane Nephropathy; ALPORT SYNDROME 2, AUTOSOMAL RECESSIVE. Identifiers: Orphanet 63, Orphanet 88919, MedGen C4746745, MONDO:0008762, OMIM 203780.
Hematuria, benign familial, 1 (BFH1). Also called: THIN MEMBRANE NEPHROPATHY. Identifiers: MedGen CN376803, MONDO:0007709, OMIM 141200.

Submissions (2):

Labcorp Genetics (formerly Invitae), Labcorp
Classification: Pathogenic. Last evaluated: 2025-04-03. Review status: criteria provided, single submitter. Criteria: Invitae Variant Classification Sherloc (09022015). Collection method: clinical testing. Allele origin: germline.
Comment: This sequence change creates a premature translational stop signal (p.Met965Hisfs*19) in the COL4A4 gene. It is expected to result in an absent or disrupted protein product. Loss-of-function variants in COL4A4 are known to be pathogenic (PMID: 21196518, 24854265, 25307543). This variant is not present in population databases (gnomAD no frequency). This variant has not been reported in the literature in individuals affected with COL4A4-related conditions. ClinVar contains an entry for this variant (Variation ID: 3585816). For these reasons, this variant has been classified as Pathogenic.

Fulgent Genetics
Classification: Likely pathogenic for Hematuria, benign familial, 1; Autosomal recessive Alport syndrome. Last evaluated: 2024-01-06. Review status: criteria provided, single submitter. Criteria: ACMG Guidelines, 2015. Collection method: clinical testing. Allele origin: germline.

Literature cited by the submitters: PubMed 21196518 (cited by Labcorp Genetics (formerly Invitae), Labcorp); PubMed 24854265 (cited by Labcorp Genetics (formerly Invitae), Labcorp); PubMed 25307543 (cited by Labcorp Genetics (formerly Invitae), Labcorp).

NM_000092.5(COL4A4):c.2892_2893insC (p.Met965fs)

Gene: COL4A4 (collagen type IV alpha 4 chain; minus strand). Cytogenetic location: 2q36.3.
Variant type: Insertion.
Coding change: c.2892_2893insC on transcript NM_000092.5 (MANE Select); coding-DNA positions 2892 to 2893, C inserted.
Protein change: p.Met965fs; shifts the reading frame from methionine 965.
Molecular consequence: frameshift variant.
Genome position: GRCh38 VCF-style: chr2-227052380-T-TG. GRCh37 (hg19) VCF-style: chr2-227917096-T-TG.
Other names: short protein forms M965fs.
Identifiers: ClinVar variation 3585816 (VCV003585816.2).